The following is an entry in ClinVar:

NM_015189.3(EXOC6B):c.1553+3A>C

Gene: EXOC6B (exocyst complex component 6B; minus strand). Cytogenetic location: 2p13.2.
Variant type: single nucleotide variant.
Coding change: c.1553+3A>C on transcript NM_015189.3 (MANE Select); 3 bases into the intron after coding-DNA position 1553, A replaced by C.
Molecular consequence: intron variant.
Genome position (GRCh38, 1-based): chr2:72,495,427, T>G on the plus strand (A>C on the coding strand, the complement: EXOC6B is on the minus strand). VCF-style: chr2-72495427-T-G. GRCh37 (hg19) VCF-style: chr2-72722556-T-G.
Other names: c.1214+3A>C (NM_001321734.2); c.1553+3A>C (NM_001321733.2, NM_001321730.2, NM_001321729.2 and 1 more transcripts).
Identifiers: ClinVar variation 1376184 (VCV001376184.6), dbSNP rs1699984621, ClinGen allele CA2573135908.

ClinVar aggregate classification (germline): Uncertain significance (1 of 4 stars; one submission).

Submission:

Labcorp Genetics (formerly Invitae), Labcorp
Classification: Uncertain significance. Last evaluated: 2021-08-26. Review status: criteria provided, single submitter. Criteria: Invitae Variant Classification Sherloc (09022015). Collection method: clinical testing. Allele origin: germline.
Comment: Variants that disrupt the consensus splice site are a relatively common cause of aberrant splicing (PMID: 17576681, 9536098). Experimental studies and prediction algorithms are not available or were not evaluated, and the effect of this variant on mRNA splicing is currently unknown. This variant has not been reported in the literature in individuals affected with EXOC6B-related conditions. This variant is not present in population databases (ExAC no frequency). This sequence change falls in intron 15 of the EXOC6B gene. It does not directly change the encoded amino acid sequence of the EXOC6B protein. It affects a nucleotide within the consensus splice site of the intron. In summary, the available evidence is currently insufficient to determine the role of this variant in disease. Therefore, it has been classified as a Variant of Uncertain Significance.

Literature cited by the submitters: PubMed 17576681; PubMed 9536098.